The following is an entry in ClinVar:

NM_000051.4(ATM):c.3613C>T (p.Arg1205Cys)

Gene: ATM (ATM serine/threonine kinase; plus strand). Cytogenetic location: 11q22.3.
Variant type: single nucleotide variant.
Coding change: c.3613C>T on transcript NM_000051.4 (MANE Select); coding-DNA position 3613, C replaced by T.
Protein change: p.Arg1205Cys; replaces arginine 1205 with cysteine.
Molecular consequence: missense variant.
Genome position (GRCh38, 1-based): chr11:108,282,746, C>T. VCF-style: chr11-108282746-C-T. GRCh37 (hg19) VCF-style: chr11-108153473-C-T.
Other names: p.Arg1205Cys; c.3613C>T, p.Arg1205Cys (NM_001351834.2); short protein forms R1205C.
Identifiers: ClinVar variation 216202 (VCV000216202.28), dbSNP rs760928285, ClinGen allele CA335899.

ClinVar aggregate classification (germline): Conflicting classifications of pathogenicity. Review status: criteria provided, conflicting classifications (1 of 4 stars). 12 submissions from 12 submitters: Uncertain significance (9); Likely benign (3). Last evaluated 2026-01-16.

Conditions:
Hereditary cancer-predisposing syndrome. Also called: Tumor predisposition; Neoplastic Syndromes, Hereditary; Hereditary Cancer Syndrome; Hereditary neoplastic syndrome. Identifiers: Orphanet 140162, MedGen C0027672, MeSH D009386, MONDO:0015356.
Familial cancer of breast. Also called: Hereditary breast cancer; BREAST CANCER, FAMILIAL; hereditary breast carcinoma. Identifiers: Orphanet 227535, MedGen C0346153, MONDO:0016419, OMIM 114480. Disease mechanism: loss of function.
Ataxia-telangiectasia syndrome (AT). Also called: Cerebello-oculocutaneous telangiectasia; Immunodeficiency with ataxia telangiectasia; AT, COMPLEMENTATION GROUP C; Ataxia-telangiectasia, complementation group E; Ataxia telangiectasia (A-T); LOUIS-BAR SYNDROME. Identifiers: Orphanet 100, MedGen C0004135, MONDO:0008840, OMIM 208900.

Allele frequency attached by ClinVar (database versions not stated): gnomAD 0.00001; ExAC 0.00003; gnomAD exomes 0.00001 and 0.00002; TOPMed 0.00001.
gnomAD v4.1: 18 of 1,613,128 alleles (0.0011%); highest among the groups gnomAD compares: Admixed American, 0.005%; no homozygotes.

Submissions (12):

Myriad Genetics, Inc.
Classification: Likely benign for Familial cancer of breast. Last evaluated: 2026-01-16. Review status: criteria provided, single submitter. Criteria: Myriad Autosomal Dominant, Autosomal Recessive and X-Linked Classification Criteria (2023). Collection method: clinical testing. Allele origin: unknown.
Comment: This variant is considered likely benign. This variant is strongly associated with less severe personal and family histories of cancer, typical for individuals without pathogenic variants in this gene [PMID: 25085752].

Labcorp Genetics (formerly Invitae), Labcorp
Classification: Uncertain significance for Ataxia-telangiectasia syndrome. Last evaluated: 2025-11-10. Review status: criteria provided, single submitter. Criteria: Invitae Variant Classification Sherloc (09022015). Collection method: clinical testing. Allele origin: germline.
Comment: This sequence change replaces arginine, which is basic and polar, with cysteine, which is neutral and slightly polar, at codon 1205 of the ATM protein (p.Arg1205Cys). This variant is present in population databases (rs760928285, gnomAD 0.006%). This missense change has been observed in individual(s) with breast cancer (PMID: 30287823). ClinVar contains an entry for this variant (Variation ID: 216202). Invitae Evidence Modeling of protein sequence and biophysical properties (such as structural, functional, and spatial information, amino acid conservation, physicochemical variation, residue mobility, and thermodynamic stability) indicates that this missense variant is not expected to disrupt ATM protein function with a negative predictive value of 95%. In summary, the available evidence is currently insufficient to determine the role of this variant in disease. Therefore, it has been classified as a Variant of Uncertain Significance.

Mayo Clinic Laboratories, Mayo Clinic
Classification: Uncertain significance. Last evaluated: 2025-06-01. Review status: criteria provided, single submitter. Criteria: ACMG Guidelines, 2015. Collection method: clinical testing. Allele origin: germline. Observed: 1 variant allele.
Comment: BP4

Quest Diagnostics Nichols Institute San Juan Capistrano
Classification: Uncertain significance. Last evaluated: 2025-04-03. Review status: criteria provided, single submitter. Criteria: Quest Diagnostics criteria. Collection method: clinical testing. Allele origin: unknown.

Center for Genomic Medicine, Rigshospitalet, Copenhagen University Hospital
Classification: Uncertain significance. Last evaluated: 2025-03-04. Review status: criteria provided, single submitter. Criteria: ACMG Guidelines, 2015. Collection method: clinical testing. Allele origin: germline.

Color Diagnostics, LLC DBA Color Health
Classification: Likely benign for Hereditary cancer-predisposing syndrome. Last evaluated: 2024-09-18. Review status: criteria provided, single submitter. Criteria: ACMG Guidelines, 2015. Collection method: clinical testing. Allele origin: germline.

St. Jude Molecular Pathology, St. Jude Children's Research Hospital
Classification: Uncertain significance for Familial cancer of breast. Last evaluated: 2024-01-21. Review status: criteria provided, single submitter. Criteria: St. Jude Assertion Criteria 2020. Collection method: clinical testing. Allele origin: germline.
Comment: The ATM c.3613C>T (p.Arg1205Cys) missense change has a maximum subpopulation frequency of 0.0054% in gnomAD v2.1.1. The in silico tool REVEL predicts a benign effect of this variant on protein function, and to our knowledge functional studies have not been performed. This variant has been reported in an individual with breast cancer (PMID: 30287823). To our knowledge, this variant has not been reported in individuals with ataxia telangiectasia. In summary, the evidence currently available is insufficient to determine the clinical significance of this variant. It has therefore been classified as of uncertain significance.

GeneDx
Classification: Uncertain significance. Last evaluated: 2023-04-04. Review status: criteria provided, single submitter. Criteria: GeneDx Variant Classification Process June 2021. Collection method: clinical testing. Allele origin: germline. Affected: yes.
Comment: Not observed at significant frequency in large population cohorts (gnomAD); In silico analysis supports that this missense variant does not alter protein structure/function; Observed in an individual with breast cancer (Momozawa et al., 2018); This variant is associated with the following publications: (PMID: 28652578, 19781682, 30287823)

Women's Health and Genetics/Laboratory Corporation of America, LabCorp
Classification: Uncertain significance. Last evaluated: 2019-10-10. Review status: criteria provided, single submitter. Criteria: LabCorp Variant Classification Summary - May 2015. Collection method: clinical testing. Allele origin: germline.
Comment: Variant summary: ATM c.3613C>T (p.Arg1205Cys) results in a non-conservative amino acid change in the encoded protein sequence. Four of five in-silico tools predict a benign effect of the variant on protein function. The variant allele was found at a frequency of 2e-05 in 298592 control chromosomes (gnomAD and Momozawa_2018). The available data on variant occurrences in the general population are insufficient to allow any conclusion about variant significance. c.3613C>T has been reported in the literature in an individual affected with Breast Cancer (Momozawa_2018). This report however does not provide unequivocal conclusions about association of the variant with Breast Cancer. Co-occurrence with another pathogenic variant has been reported (BRCA2 c.631+2T>G; internal LCA sample), providing supporting evidence for a benign role. To our knowledge, no experimental evidence demonstrating an impact on protein function has been reported. Four clinical diagnostic laboratories have submitted clinical-significance assessments for this variant to ClinVar after 2014 without evidence for independent evaluation. Multiple laboratories reported the variant with conflicting assessments (2 classifying it as VUS, while 2 calling it likely benign). Based on the evidence outlined above, the variant was classified as uncertain significance.

Mendelics
Classification: Uncertain significance for Ataxia-telangiectasia syndrome. Last evaluated: 2019-05-28. Review status: criteria provided, single submitter. Criteria: Mendelics Assertion Criteria 2017. Collection method: clinical testing. Allele origin: unknown.

Ambry Genetics
Classification: Likely benign for Hereditary cancer-predisposing syndrome. Last evaluated: 2018-06-07. Review status: criteria provided, single submitter. Criteria: Ambry Variant Classification Scheme 2023. Collection method: clinical testing. Allele origin: germline.

Illumina Laboratory Services, Illumina
Classification: Uncertain significance for Ataxia-telangiectasia syndrome. Last evaluated: 2018-01-13. Review status: criteria provided, single submitter. Criteria: ICSL Variant Classification Criteria 13 December 2019. Collection method: clinical testing. Allele origin: germline.

Literature cited by the submitters: PubMed 25085752 (cited by Myriad Genetics, Inc.); PubMed 30287823 (cited by 3 submitters); PubMed 28652578 (cited by Women's Health and Genetics/Laboratory Corporation of America, LabCorp).